The following is an entry in ClinVar:

ClinVar aggregate classification (germline): Pathogenic (1 of 4 stars; one submission).

Conditions:
Orofacial cleft 6, susceptibility to (OFC6). Also called: CLEFT LIP WITH OR WITHOUT CLEFT PALATE, NONSYNDROMIC, 6. Identifiers: MedGen C1837213, MONDO:0012141, OMIM 608864.
Popliteal pterygium syndrome (PPS). Identifiers: Orphanet 294963, MedGen C0265259, MONDO:0017435.
Van der Woude syndrome. Identifiers: Orphanet 888, MedGen C0175697, MONDO:0019508.

Submission:

Labcorp Genetics (formerly Invitae), Labcorp
Classification: Pathogenic for Orofacial cleft 6, susceptibility to; Van der Woude syndrome; Popliteal pterygium syndrome. Last evaluated: 2026-01-18. Review status: criteria provided, single submitter. Criteria: Invitae Variant Classification Sherloc (09022015). Collection method: clinical testing. Allele origin: germline.
Comment: This sequence change creates a premature translational stop signal (p.Ser122*) in the IRF6 gene. It is expected to result in an absent or disrupted protein product. Loss-of-function variants in IRF6 are known to be pathogenic (PMID: 19282774, 23949966). This variant is not present in population databases (gnomAD no frequency). This premature translational stop signal has been observed in individual(s) with van der Woude syndrome and/or popliteal pterygium syndrome (PMID: 23154523). For these reasons, this variant has been classified as Pathogenic.

Literature cited by the submitters: PubMed 19282774; PubMed 23949966; PubMed 23154523.

NM_006147.4(IRF6):c.365C>A (p.Ser122Ter)

Gene: IRF6 (interferon regulatory factor 6; minus strand). Cytogenetic location: 1q32.2.
Variant type: single nucleotide variant.
Coding change: c.365C>A on transcript NM_006147.4 (MANE Select); coding-DNA position 365, C replaced by A.
Protein change: p.Ser122Ter; replaces serine 122 with a stop codon.
Molecular consequence: nonsense.
Genome position (GRCh38, 1-based): chr1:209,796,362, G>T on the plus strand (C>A on the coding strand, the complement: IRF6 is on the minus strand). VCF-style: chr1-209796362-G-T. GRCh37 (hg19) VCF-style: chr1-209969707-G-T.
Other names: c.80C>A, p.Ser27Ter (NM_001206696.2); short protein forms S122*, S27*.
Identifiers: ClinVar variation 4783527 (VCV004783527.1).
Genomic context (GRCh38, chr1:209,796,362, plus strand): 5'-GAATCTGGCATGCTGCCCACCTTCTCCCCAGCACCTGGGGCCTCACCTGGGTTAATGATC[G>T]AGCCCTGGGGCTGAGGGATGTCACACACTTGATATATCTTCACTGGGTTCATGGGCACCT-3'